The following is an entry in ClinVar:

ClinVar aggregate classification (germline): Uncertain significance (1 of 4 stars; one submission).

Conditions:
Chuvash polycythemia. Also called: POLYCYTHEMIA, VHL-DEPENDENT. Identifiers: Orphanet 238557, MedGen C1837915, MONDO:0009892, OMIM 263400.
Von Hippel-Lindau syndrome (VHLS). Also called: von Hippel–Lindau syndrome; VHL syndrome; Von Hippel-Lindau. Identifiers: Orphanet 892, MedGen C0019562, MONDO:0008667, OMIM 193300. Disease mechanism: loss of function.

Submission:

Labcorp Genetics (formerly Invitae), Labcorp
Classification: Uncertain significance for Von Hippel-Lindau syndrome; Chuvash polycythemia. Last evaluated: 2025-10-27. Review status: criteria provided, single submitter. Criteria: Invitae Variant Classification Sherloc (09022015). Collection method: clinical testing. Allele origin: germline.
Comment: This sequence change replaces glutamic acid, which is acidic and polar, with lysine, which is basic and polar, at codon 31 of the VHL protein (p.Glu31Lys). This variant is not present in population databases (gnomAD no frequency). This variant has not been reported in the literature in individuals affected with VHL-related conditions. Invitae Evidence Modeling of protein sequence and biophysical properties (such as structural, functional, and spatial information, amino acid conservation, physicochemical variation, residue mobility, and thermodynamic stability) indicates that this missense variant is not expected to disrupt VHL protein function with a negative predictive value of 95%. In summary, the available evidence is currently insufficient to determine the role of this variant in disease. Therefore, it has been classified as a Variant of Uncertain Significance.

NM_000551.4(VHL):c.91G>A (p.Glu31Lys)

Gene: VHL (von Hippel-Lindau tumor suppressor; plus strand). Cytogenetic location: 3p25.3.
Variant type: single nucleotide variant.
Coding change: c.91G>A on transcript NM_000551.4 (MANE Select); coding-DNA position 91, G replaced by A.
Protein change: p.Glu31Lys; replaces glutamic acid 31 with lysine.
Molecular consequence: missense variant. On other transcripts: non-coding transcript variant (1).
Genome position (GRCh38, 1-based): chr3:10,141,938, G>A. VCF-style: chr3-10141938-G-A. GRCh37 (hg19) VCF-style: chr3-10183622-G-A.
Other names: c.91G>A, p.Glu31Lys (NM_001354723.2, NM_198156.3); short protein forms E31K.
Identifiers: ClinVar variation 4793450 (VCV004793450.1).
Genomic context (GRCh38, chr3:10,141,938, plus strand): 5'-GCCGAGGTAGGCGCGGAGGAGGCAGGCGTCGAAGAGTACGGCCCTGAAGAAGACGGCGGG[G>A]AGGAGTCGGGCGCCGAGGAGTCCGGCCCGGAAGAGTCCGGCCCGGAGGAACTGGGCGCCG-3'
Protein context (NP_000542.1, residues 21-41): EEYGPEEDGG[Glu31Lys]ESGAEESGPE